The following is an entry in ClinVar:

ClinVar aggregate classification (germline): Uncertain significance (1 of 4 stars; one submission).

Submission:

GeneDx
Classification: Uncertain significance. Last evaluated: 2024-11-05. Review status: criteria provided, single submitter. Criteria: GeneDx Variant Classification Process June 2021. Collection method: clinical testing. Allele origin: germline. Affected: yes.
Comment: Not observed at significant frequency in large population cohorts (gnomAD); In silico analysis supports that this missense variant does not alter protein structure/function; Has not been previously published as pathogenic or benign to our knowledge

NM_198503.5(KCNT2):c.1039G>T (p.Val347Leu)

Gene: KCNT2 (potassium sodium-activated channel subfamily T member 2; minus strand). Cytogenetic location: 1q31.3.
Variant type: single nucleotide variant.
Coding change: c.1039G>T on transcript NM_198503.5 (MANE Select); coding-DNA position 1039, G replaced by T.
Protein change: p.Val347Leu; replaces valine 347 with leucine.
Molecular consequence: missense variant. On other transcripts: non-coding transcript variant (2).
Genome position (GRCh38, 1-based): chr1:196,425,934, C>A on the plus strand (G>T on the coding strand, the complement: KCNT2 is on the minus strand). VCF-style: chr1-196425934-C-A. GRCh37 (hg19) VCF-style: chr1-196395064-C-A.
Other names: c.1039G>T, p.Val347Leu (NM_001287819.3, NM_001287820.3); short protein forms V347L.
Identifiers: ClinVar variation 3897209 (VCV003897209.1).